The following is an entry in ClinVar:

ClinVar aggregate classification (germline): Uncertain significance (1 of 4 stars; one submission).

Submission:

GeneDx
Classification: Uncertain significance. Last evaluated: 2020-07-02. Review status: criteria provided, single submitter. Criteria: GeneDx Variant Classification Process June 2021. Collection method: clinical testing. Allele origin: germline. Affected: yes.
Comment: Not observed in large population cohorts (Lek et al., 2016); Frameshift variant predicted to result in protein truncation as the last 47 amino acids are replaced with 22 different amino acids, although loss-of-function variants have not been reported downstream of this position in the protein; Has not been previously published as pathogenic or benign to our knowledge

NM_004541.4(NDUFA1):c.70_73del (p.Ala24fs)

Genes: NDUFA1 (NADH:ubiquinone oxidoreductase subunit A1; plus strand), LOC130068621 (ATAC-STARR-seq lymphoblastoid active region 29902; plus strand). Cytogenetic location: Xq24.
Variant type: Deletion.
Coding change: c.70_73del on transcript NM_004541.4 (MANE Select); coding-DNA positions 70 to 73, 4 bases deleted (GCGT; older notation c.70_73delGCGT).
Protein change: p.Ala24fs; shifts the reading frame from alanine 24.
Molecular consequence: frameshift variant.
Genome position (GRCh38, 1-based): chrX:119,871,981-119,871,984, GCGT deleted; deleting any 4 consecutive bases within chrX:119,871,980-119,871,984 gives the same sequence; the c. name uses the placement nearest the transcript's 3' end. VCF-style (leftmost placement, unchanged base first): chrX-119871979-CTGCG-C. GRCh37 (hg19) VCF-style: chrX-119005942-CTGCG-C.
Other names: short protein forms A24fs.
Identifiers: ClinVar variation 1312864 (VCV001312864.2), dbSNP rs2147813025, ClinGen allele CA2573055073.
Genomic context (GRCh38, chrX:119,871,979, plus strand): 5'-TCGAGATTCTCCCCGGACTCTCCGTCATGGGCGTGTGCTTGTTGATTCCAGGACTGGCTA[CTGCG>C]TACATCCACAGGTTCACTAACGGGGGCAAGGTAAGCCGGCTTCGGCCCGGGGGCCGACTC-3'